The following is an entry in ClinVar:

NM_005245.4(FAT1):c.1399G>T (p.Ala467Ser)

Gene: FAT1 (FAT atypical cadherin 1; minus strand). Cytogenetic location: 4q35.2.
Variant type: single nucleotide variant.
Coding change: c.1399G>T on transcript NM_005245.4 (MANE Select); coding-DNA position 1399, G replaced by T.
Protein change: p.Ala467Ser; replaces alanine 467 with serine.
Molecular consequence: missense variant.
Genome position (GRCh38, 1-based): chr4:186,708,429, C>A on the plus strand (G>T on the coding strand, the complement: FAT1 is on the minus strand). VCF-style: chr4-186708429-C-A. GRCh37 (hg19) VCF-style: chr4-187629583-C-A.
Other names: short protein forms A467S.
Identifiers: ClinVar variation 729855 (VCV000729855.10), dbSNP rs201582617, ClinGen allele CA3167480.

ClinVar aggregate classification (germline): Likely benign. Review status: criteria provided, single submitter (1 of 4 stars). 2 submissions from 2 submitters: Likely benign (1). 1 of the submissions does not count toward it. Last evaluated 2025-12-18.

Conditions:
FAT1-related disorder. Also called: FAT1-related condition.

Allele frequency attached by ClinVar (database versions not stated): gnomAD exomes 0.00032; ExAC 0.00037; ESP Exome Variant Server 0.00130; gnomAD 0.00136 and 0.00148; 1000 Genomes Project 0.00140; TOPMed 0.00163; 1000 Genomes Project 30x 0.00172.
gnomAD v4.1: 407 of 1,614,024 alleles (0.025%); highest among the groups gnomAD compares: African/African-American, 0.51%; 1 homozygote.

Submissions (2):

Labcorp Genetics (formerly Invitae), Labcorp
Classification: Likely benign. Last evaluated: 2025-12-18. Review status: criteria provided, single submitter. Criteria: Invitae Variant Classification Sherloc (09022015). Collection method: clinical testing. Allele origin: germline.

PreventionGenetics, part of Exact Sciences
Classification: Likely benign for FAT1-related condition. Last evaluated: 2023-06-06. Review status: no assertion criteria provided. Collection method: clinical testing. Allele origin: germline. Not counted in ClinVar's aggregate classification.
Comment: This variant is classified as likely benign based on ACMG/AMP sequence variant interpretation guidelines (Richards et al. 2015 PMID: 25741868, with internal and published modifications).